The following is an entry in ClinVar:

ClinVar aggregate classification (germline): Likely benign. Review status: criteria provided, multiple submitters, no conflicts (2 of 4 stars). 2 submissions from 2 submitters: Likely benign (2). Last evaluated 2024-11-01.

Conditions:
Hereditary cancer-predisposing syndrome. Also called: Hereditary neoplastic syndrome; Neoplastic Syndromes, Hereditary; Tumor predisposition; Hereditary Cancer Syndrome. Identifiers: Orphanet 140162, MedGen C0027672, MeSH D009386, MONDO:0015356.

Submissions (2):

CeGaT Center for Human Genetics Tuebingen
Classification: Likely benign. Last evaluated: 2024-11-01. Review status: criteria provided, single submitter. Criteria: CeGaT Center For Human Genetics Tuebingen Variant Classification Criteria Version 2. Collection method: clinical testing. Allele origin: germline. Affected: yes. Observed: 4 variant alleles.
Comment: RB1: BP4, BP7

Ambry Genetics
Classification: Likely benign for Hereditary cancer-predisposing syndrome. Last evaluated: 2022-03-16. Review status: criteria provided, single submitter. Criteria: Ambry Variant Classification Scheme 2023. Collection method: clinical testing. Allele origin: germline.

NM_000321.3(RB1):c.2232C>A (p.Ile744=)

Gene: RB1 (RB transcriptional corepressor 1; plus strand). Cytogenetic location: 13q14.2.
Variant type: single nucleotide variant.
Coding change: c.2232C>A on transcript NM_000321.3 (MANE Select); coding-DNA position 2232, C replaced by A.
Protein change: p.Ile744=; no amino-acid change (isoleucine 744 retained).
Molecular consequence: synonymous variant.
Genome position (GRCh38, 1-based): chr13:48,465,018, C>A. VCF-style: chr13-48465018-C-A. GRCh37 (hg19) VCF-style: chr13-49039154-C-A.
Other names: c.2232C>A, p.Ile744= (NM_001407165.1).
Identifiers: ClinVar variation 1788133 (VCV001788133.26), dbSNP rs2542375158, ClinGen allele CA483740069.